The following is an entry in ClinVar:

NM_001113378.2(FANCI):c.1491A>C (p.Gln497His)

Gene: FANCI (FA complementation group I; plus strand). Cytogenetic location: 15q26.1.
Variant type: single nucleotide variant.
Coding change: c.1491A>C on transcript NM_001113378.2 (MANE Select); coding-DNA position 1491, A replaced by C.
Protein change: p.Gln497His; replaces glutamine 497 with histidine.
Molecular consequence: missense variant.
Genome position (GRCh38, 1-based): chr15:89,281,279, A>C. VCF-style: chr15-89281279-A-C. GRCh37 (hg19) VCF-style: chr15-89824510-A-C.
Other names: c.1212A>C, p.Gln404His (NM_001376910.1); c.1491A>C, p.Gln497His (NM_001376911.1, NM_018193.3); short protein forms Q404H, Q497H.
Identifiers: ClinVar variation 856170 (VCV000856170.9), dbSNP rs145349375, ClinGen allele CA393743897.

ClinVar aggregate classification (germline): Uncertain significance (1 of 4 stars; one submission).

Conditions:
Fanconi anemia (FA). Also called: Fanconi's anemia. Identifiers: Orphanet 84, MedGen C0015625, MeSH D005199, MONDO:0019391.

Allele frequency attached by ClinVar (database versions not stated): TOPMed 0.00001.
gnomAD v4.1: 1 of 1,613,672 alleles (0.000062%); highest among the groups gnomAD compares: African/African-American, 0.0013%; no homozygotes.

Submission:

Labcorp Genetics (formerly Invitae), Labcorp
Classification: Uncertain significance for Fanconi anemia. Last evaluated: 2022-07-06. Review status: criteria provided, single submitter. Criteria: Invitae Variant Classification Sherloc (09022015). Collection method: clinical testing. Allele origin: germline.
Comment: This sequence change replaces glutamine, which is neutral and polar, with histidine, which is basic and polar, at codon 497 of the FANCI protein (p.Gln497His). In summary, the available evidence is currently insufficient to determine the role of this variant in disease. Therefore, it has been classified as a Variant of Uncertain Significance. This variant has not been reported in the literature in individuals affected with FANCI-related conditions. This variant is not present in population databases (gnomAD no frequency). Algorithms developed to predict the effect of sequence changes on RNA splicing suggest that this variant may create or strengthen a splice site. Algorithms developed to predict the effect of missense changes on protein structure and function output the following: SIFT: "Deleterious"; PolyPhen-2: "Benign"; Align-GVGD: "Class C0". The histidine amino acid residue is found in multiple mammalian species, which suggests that this missense change does not adversely affect protein function. ClinVar contains an entry for this variant (Variation ID: 856170).